The following is an entry in ClinVar:

ClinVar aggregate classification (germline): Uncertain significance (1 of 4 stars; one submission).

Submission:

CeGaT Center for Human Genetics Tuebingen
Classification: Uncertain significance. Last evaluated: 2023-04-01. Review status: criteria provided, single submitter. Criteria: CeGaT Center For Human Genetics Tuebingen Variant Classification Criteria Version 2. Collection method: clinical testing. Allele origin: germline. Affected: yes. Observed: 1 variant allele.
Comment: DNASE1: PM2

NM_005223.4(DNASE1):c.730_763dup (p.Phe255fs)

Gene: DNASE1 (deoxyribonuclease 1; plus strand). Cytogenetic location: 16p13.3.
Variant type: Duplication.
Coding change: c.730_763dup on transcript NM_005223.4 (MANE Select); coding-DNA positions 730 to 763, 34 bases duplicated.
Protein change: p.Phe255fs; shifts the reading frame from phenylalanine 255.
Molecular consequence: frameshift variant. On other transcripts: non-coding transcript variant (2).
Genome position (GRCh38, 1-based): chr16:3,657,745-3,657,778, 34 bases duplicated. GRCh37 (hg19): chr16:3,707,746-3,707,779.
Other names: c.730_763dup, p.Phe255fs (NM_001351825.2, NM_001387135.1, NM_001387140.1); c.799_832dup, p.Phe278fs (NM_001387139.1); c.523_556dup, p.Phe186fs (NM_001387141.1); short protein forms F186fs, F255fs, F278fs.
Identifiers: ClinVar variation 2646124 (VCV002646124.24), dbSNP rs2548290922, ClinGen allele CA2695197437.